The following is an entry in ClinVar:

ClinVar aggregate classification (germline): Uncertain significance (1 of 4 stars; one submission).

Submission:

GeneDx
Classification: Uncertain significance. Last evaluated: 2022-11-04. Review status: criteria provided, single submitter. Criteria: GeneDx Variant Classification Process June 2021. Collection method: clinical testing. Allele origin: germline. Affected: yes.
Comment: Not observed at significant frequency in large population cohorts (gnomAD); In silico analysis supports that this missense variant does not alter protein structure/function; Has not been previously published as pathogenic or benign to our knowledge

NM_025074.7(FRAS1):c.1908C>A (p.His636Gln)

Gene: FRAS1 (Fraser extracellular matrix complex subunit 1; plus strand). Cytogenetic location: 4q21.21.
Variant type: single nucleotide variant.
Coding change: c.1908C>A on transcript NM_025074.7 (MANE Select); coding-DNA position 1908, C replaced by A.
Protein change: p.His636Gln; replaces histidine 636 with glutamine.
Molecular consequence: missense variant.
Genome position (GRCh38, 1-based): chr4:78,317,456, C>A. VCF-style: chr4-78317456-C-A. GRCh37 (hg19) VCF-style: chr4-79238610-C-A.
Other names: c.1908C>A, p.His636Gln (NM_001166133.2); short protein forms H636Q.
Identifiers: ClinVar variation 2501553 (VCV002501553.1), dbSNP rs2476765596, ClinGen allele CA357368287.
Genomic context (GRCh38, chr4:78,317,456, plus strand): 5'-TGGGCCCACACCCTCTCACTGTACAGCCTGCAGCCCCCCCAAGGCTCTGCGTCAAGGCCA[C>A]TGTCTGCCCCGCTGTGGAGAGGGTTTCTACTCTGACCATGGAGTCTGCAAAGGTATCGTT-3'
Protein context (NP_079350.5, residues 626-646): CSPPKALRQG[His636Gln]CLPRCGEGFY